The following is an entry in ClinVar:

ClinVar aggregate classification (germline): Conflicting classifications of pathogenicity. Review status: criteria provided, conflicting classifications (1 of 4 stars). 10 submissions from 10 submitters: Uncertain significance (6); Likely benign (2). 2 of the submissions do not count toward it. Last evaluated 2026-04-01.

Conditions:
BRCA2-related cancer predisposition. Identifiers: MedGen CN377758, MONDO:0700269.
Hereditary cancer-predisposing syndrome. Also called: Hereditary neoplastic syndrome; Neoplastic Syndromes, Hereditary; Hereditary Cancer Syndrome; Tumor predisposition. Identifiers: Orphanet 140162, MedGen C0027672, MeSH D009386, MONDO:0015356.
Hereditary breast ovarian cancer syndrome. Also called: Hereditary breast and ovarian cancer syndrome (HBOC); Breast and ovarian cancer; Hereditary breast and ovarian cancer syndrome; BRCA1- and BRCA2-Associated Hereditary Breast and Ovarian Cancer; Hereditary breast and/or ovarian cancer syndrome; Hereditary breast and ovarian cancer. Identifiers: Orphanet 145, MedGen C0677776, MeSH D061325, MONDO:0003582. Disease mechanism: loss of function.
Breast-ovarian cancer, familial, susceptibility to, 2 (BROVCA2). Also called: BRCA2 Hereditary Breast and Ovarian Cancer. Identifiers: Orphanet 145, MedGen C2675520, MONDO:0012933, OMIM 612555. Disease mechanism: loss of function.

gnomAD v4.1: 36 of 1,614,182 alleles (0.0022%); highest among the groups gnomAD compares: Non-Finnish European, 0.003%; no homozygotes.

Submissions (10):

Women's Health and Genetics/Laboratory Corporation of America, LabCorp
Classification: Uncertain significance. Last evaluated: 2026-04-01. Review status: criteria provided, single submitter. Criteria: LabCorp Variant Classification Summary - May 2015. Collection method: clinical testing. Allele origin: germline.
Comment: Variant summary: BRCA2 c.7928C>T (p.Ala2643Val) results in a non-conservative amino acid change in the encoded protein sequence. Algorithms developed to predict the effect of missense changes on protein structure and function all suggest that this variant is likely to be disruptive. The variant was absent in 251292 control chromosomes. The available data on variant occurrences in the general population are insufficient to allow any conclusion about variant significance. c.7928C>T has been observed in individual(s) affected with Hereditary Breast And Ovarian Cancer Syndrome (Wen_2018). These report(s) do not provide unequivocal conclusions about association of the variant with Hereditary Breast And Ovarian Cancer Syndrome. To our knowledge, no experimental evidence demonstrating an impact on protein function has been reported. The following publications have been ascertained in the context of this evaluation (PMID: 19043619, 28993434). ClinVar contains an entry for this variant (Variation ID: 91498). Based on the evidence outlined above, the variant was classified as uncertain significance.

Labcorp Genetics (formerly Invitae), Labcorp
Classification: Uncertain significance for Hereditary breast ovarian cancer syndrome. Last evaluated: 2025-11-22. Review status: criteria provided, single submitter. Criteria: Invitae Variant Classification Sherloc (09022015). Collection method: clinical testing. Allele origin: germline.
Comment: This sequence change replaces alanine, which is neutral and non-polar, with valine, which is neutral and non-polar, at codon 2643 of the BRCA2 protein (p.Ala2643Val). This variant is not present in population databases (gnomAD no frequency). This missense change has been observed in individual(s) with breast cancer (PMID: 10923033). ClinVar contains an entry for this variant (Variation ID: 91498). Invitae Evidence Modeling of protein sequence and biophysical properties (such as structural, functional, and spatial information, amino acid conservation, physicochemical variation, residue mobility, and thermodynamic stability) indicates that this missense variant is not expected to disrupt BRCA2 protein function with a negative predictive value of 95%. In summary, the available evidence is currently insufficient to determine the role of this variant in disease. Therefore, it has been classified as a Variant of Uncertain Significance.

Ambry Genetics
Classification: Likely benign for Hereditary cancer-predisposing syndrome. Last evaluated: 2025-04-30. Review status: criteria provided, single submitter. Criteria: Ambry Variant Classification Scheme 2023. Collection method: clinical testing. Allele origin: germline.

All of Us Research Program, National Institutes of Health
Classification: Uncertain significance for BRCA2-related cancer predisposition. Last evaluated: 2024-07-10. Review status: criteria provided, single submitter. Criteria: ACMG Guidelines, 2015. Collection method: clinical testing. Allele origin: germline. Inheritance: Autosomal dominant inheritance. Observed: 1 variant allele, 1 heterozygote.
Comment: This missense variant replaces alanine with valine at codon 2643 of the BRCA2 protein. Computational prediction is inconclusive regarding the impact of this variant on protein structure and function (internally defined REVEL score threshold 0.5 < inconclusive < 0.7, PMID: 27666373). To our knowledge, functional studies have not been reported for this variant. This variant has been reported in one unaffected individual in a breast cancer case-control study (PMID: 28993434, 33471991) and a family history likelihood ratio for pathogenicity of 0.6668 (PMID: 31131967). This variant has not been identified in the general population by the Genome Aggregation Database (gnomAD). The available evidence is insufficient to determine the role of this variant in disease conclusively. Therefore, this variant is classified as a Variant of Uncertain Significance.

This study involves interpretation of variants in research participants for the purpose of population health screening. Participant phenotype was not available at the time of variant classification. Additional details can be found in publication PMID: 35346344, PMCID: PMC8962531

Color Diagnostics, LLC DBA Color Health
Classification: Uncertain significance for Hereditary cancer-predisposing syndrome. Last evaluated: 2024-06-20. Review status: criteria provided, single submitter. Criteria: ACMG Guidelines, 2015. Collection method: clinical testing. Allele origin: germline.
Comment: This missense variant replaces alanine with valine at codon 2643 of the BRCA2 protein. Computational prediction is inconclusive regarding the impact of this variant on protein structure and function. To our knowledge, functional studies have not been reported for this variant. This variant has been reported in unaffected individuals in breast cancer case-control studies (PMID: 28993434, 33471991) and in a family with history of breast and/or ovarian cancer (PMID: 31131967). This variant has not been identified in the general population by the Genome Aggregation Database (gnomAD). The available evidence is insufficient to determine the role of this variant in disease conclusively. Therefore, this variant is classified as a Variant of Uncertain Significance.

Molecular Pathology, Peter Maccallum Cancer Centre
Classification: Likely benign for Breast-ovarian cancer, familial, susceptibility to, 2. Last evaluated: 2024-01-24. Review status: criteria provided, single submitter. Criteria: ACMG Guidelines, 2015. Collection method: clinical testing. Allele origin: germline. Inheritance: Autosomal dominant inheritance.

GeneDx
Classification: Uncertain significance. Last evaluated: 2020-06-16. Review status: criteria provided, single submitter. Criteria: GeneDx Variant Classification Process June 2021. Collection method: clinical testing. Allele origin: germline. Affected: yes.
Comment: Identified in an unaffected control but absent from breast cancer cases (Wen 2018); Not observed in large population cohorts (Lek 2016); In silico analysis supports that this missense variant does not alter protein structure/function; Also known as 8156C>T; This variant is associated with the following publications: (PMID: 28993434, 19043619, 24817641)

Quest Diagnostics Nichols Institute San Juan Capistrano
Classification: Uncertain significance. Last evaluated: 2018-07-12. Review status: criteria provided, single submitter. Criteria: Quest Diagnostics criteria. Collection method: clinical testing. Allele origin: germline.

Sharing Clinical Reports Project (SCRP)
Classification: Uncertain significance for Breast-ovarian cancer, familial 2. Last evaluated: 2012-05-17. Review status: no assertion criteria provided. Collection method: clinical testing. Allele origin: germline. Not counted in ClinVar's aggregate classification.

Breast Cancer Information Core (BIC) (BRCA2)
Classification: Uncertain significance for Breast-ovarian cancer, familial 2. Review status: no assertion criteria provided. Collection method: clinical testing. Allele origin: germline. Affected: yes. Observed: 1 variant allele. Not counted in ClinVar's aggregate classification.

Literature cited by the submitters: PubMed 19043619 (cited by Women's Health and Genetics/Laboratory Corporation of America, LabCorp); PubMed 28993434 (cited by 4 submitters); PubMed 10923033 (cited by Labcorp Genetics (formerly Invitae), Labcorp); PubMed 29416752 (cited by Ambry Genetics); PubMed 30322717 (cited by Ambry Genetics); PubMed 30426508 (cited by Ambry Genetics); PubMed 31131967 (cited by All of Us Research Program, National Institutes of Health and Color Diagnostics, LLC DBA Color Health); PubMed 33471991 (cited by All of Us Research Program, National Institutes of Health and Color Diagnostics, LLC DBA Color Health).

NM_000059.4(BRCA2):c.7928C>T (p.Ala2643Val)

Gene: BRCA2 (BRCA2 DNA repair associated; plus strand). Cytogenetic location: 13q13.1.
Variant type: single nucleotide variant.
Coding change: c.7928C>T on transcript NM_000059.4 (MANE Select); coding-DNA position 7928, C replaced by T.
Protein change: p.Ala2643Val; replaces alanine 2643 with valine.
Molecular consequence: missense variant.
Genome position (GRCh38, 1-based): chr13:32,362,645, C>T. VCF-style: chr13-32362645-C-T. GRCh37 (hg19) VCF-style: chr13-32936782-C-T.
Other names: 8156C>T; short protein forms A2643V.
Identifiers: ClinVar variation 91498 (VCV000091498.26), dbSNP rs80359018, ClinGen allele CA025339.